The following is an entry in ClinVar:

NM_015295.3(SMCHD1):c.2192A>C (p.Gln731Pro)

Gene: SMCHD1 (structural maintenance of chromosomes flexible hinge domain containing 1; plus strand). Cytogenetic location: 18p11.32.
Variant type: single nucleotide variant.
Coding change: c.2192A>C on transcript NM_015295.3 (MANE Select); coding-DNA position 2192, A replaced by C.
Protein change: p.Gln731Pro; replaces glutamine 731 with proline.
Molecular consequence: missense variant.
Genome position (GRCh38, 1-based): chr18:2,707,852, A>C. VCF-style: chr18-2707852-A-C. GRCh37 (hg19) VCF-style: chr18-2707850-A-C.
Other names: short protein forms Q731P.
Identifiers: ClinVar variation 2111629 (VCV002111629.4), dbSNP rs2510042020, ClinGen allele CA401680325.

ClinVar aggregate classification (germline): Uncertain significance (1 of 4 stars; one submission).

Conditions:
Facioscapulohumeral muscular dystrophy 2 (FSHD2). Also called: MUSCULAR DYSTROPHY, FACIOSCAPULOHUMERAL, TYPE 1B; FACIOSCAPULOHUMERAL MUSCULAR DYSTROPHY 2, DIGENIC; FSHD2, DIGENIC. Identifiers: Orphanet 269, MedGen C1834671, MONDO:0008031, OMIM 158901.

Allele frequency attached by ClinVar (database versions not stated): gnomAD exomes below 0.00001.
gnomAD v4.1: 6 of 1,609,498 alleles (0.00037%); highest among the groups gnomAD compares: Non-Finnish European, 0.00051%; no homozygotes.

Submission:

Labcorp Genetics (formerly Invitae), Labcorp
Classification: Uncertain significance for Facioscapulohumeral muscular dystrophy 2. Last evaluated: 2022-05-24. Review status: criteria provided, single submitter. Criteria: Invitae Variant Classification Sherloc (09022015). Collection method: clinical testing. Allele origin: germline.
Comment: In summary, the available evidence is currently insufficient to determine the role of this variant in disease. Therefore, it has been classified as a Variant of Uncertain Significance. Algorithms developed to predict the effect of missense changes on protein structure and function are either unavailable or do not agree on the potential impact of this missense change (SIFT: "Deleterious"; PolyPhen-2: "Probably Damaging"; Align-GVGD: "Class C0"). This variant has not been reported in the literature in individuals affected with SMCHD1-related conditions. This variant is not present in population databases (gnomAD no frequency). This sequence change replaces glutamine, which is neutral and polar, with proline, which is neutral and non-polar, at codon 731 of the SMCHD1 protein (p.Gln731Pro).